The following is an entry in ClinVar:

NM_017617.5(NOTCH1):c.6489C>G (p.Ser2163Arg)

Gene: NOTCH1 (notch receptor 1; minus strand). Cytogenetic location: 9q34.3.
Variant type: single nucleotide variant.
Coding change: c.6489C>G on transcript NM_017617.5 (MANE Select); coding-DNA position 6489, C replaced by G.
Protein change: p.Ser2163Arg; replaces serine 2163 with arginine.
Molecular consequence: missense variant.
Genome position (GRCh38, 1-based): chr9:136,497,250, G>C on the plus strand (C>G on the coding strand, the complement: NOTCH1 is on the minus strand). VCF-style: chr9-136497250-G-C. GRCh37 (hg19) VCF-style: chr9-139391702-G-C.
Other names: short protein forms S2163R.
Identifiers: ClinVar variation 2973759 (VCV002973759.3), dbSNP rs2133318304, ClinGen allele CA375631519.

ClinVar aggregate classification (germline): Uncertain significance (1 of 4 stars; one submission).

Conditions:
Adams-Oliver syndrome 5 (AOS5). Identifiers: Orphanet 974, MedGen C4014970, MONDO:0014459, OMIM 616028.

Allele frequency attached by ClinVar (database versions not stated): gnomAD exomes below 0.00001.
gnomAD v4.1: 1 of 1,612,072 alleles (0.000062%); highest among the groups gnomAD compares: Non-Finnish European, 0.000085%; no homozygotes.

Submission:

Labcorp Genetics (formerly Invitae), Labcorp
Classification: Uncertain significance for Adams-Oliver syndrome 5. Last evaluated: 2023-11-13. Review status: criteria provided, single submitter. Criteria: Invitae Variant Classification Sherloc (09022015). Collection method: clinical testing. Allele origin: germline.
Comment: This sequence change replaces serine, which is neutral and polar, with arginine, which is basic and polar, at codon 2163 of the NOTCH1 protein (p.Ser2163Arg). This variant is not present in population databases (gnomAD no frequency). This variant has not been reported in the literature in individuals affected with NOTCH1-related conditions. Advanced modeling of protein sequence and biophysical properties (such as structural, functional, and spatial information, amino acid conservation, physicochemical variation, residue mobility, and thermodynamic stability) performed at Invitae indicates that this missense variant is not expected to disrupt NOTCH1 protein function with a negative predictive value of 80%. In summary, the available evidence is currently insufficient to determine the role of this variant in disease. Therefore, it has been classified as a Variant of Uncertain Significance.